The following is an entry in ClinVar:

NM_032901.4(COX14):c.134G>A (p.Arg45His)

Gene: COX14 (cytochrome c oxidase assembly factor COX14; plus strand). Cytogenetic location: 12q13.12.
Variant type: single nucleotide variant.
Coding change: c.134G>A on transcript NM_032901.4 (MANE Select); coding-DNA position 134, G replaced by A.
Protein change: p.Arg45His; replaces arginine 45 with histidine.
Molecular consequence: missense variant.
Genome position (GRCh38, 1-based): chr12:50,120,177, G>A. VCF-style: chr12-50120177-G-A. GRCh37 (hg19) VCF-style: chr12-50513960-G-A.
Other names: c.134G>A, p.Arg45His (NM_001257133.2, NM_001257134.2); short protein forms R45H.
Identifiers: ClinVar variation 1396159 (VCV001396159.6), dbSNP rs752679893, ClinGen allele CA6561888.

ClinVar aggregate classification (germline): Uncertain significance (1 of 4 stars; one submission).

Allele frequency attached by ClinVar (database versions not stated): ExAC 0.00001; gnomAD exomes 0.00001.

Submission:

Labcorp Genetics (formerly Invitae), Labcorp
Classification: Uncertain significance. Last evaluated: 2025-08-18. Review status: criteria provided, single submitter. Criteria: Invitae Variant Classification Sherloc (09022015). Collection method: clinical testing. Allele origin: germline.
Comment: This sequence change replaces arginine, which is basic and polar, with histidine, which is basic and polar, at codon 45 of the COX14 protein (p.Arg45His). This variant is present in population databases (rs752679893, gnomAD 0.0009%). This variant has not been reported in the literature in individuals affected with COX14-related conditions. ClinVar contains an entry for this variant (Variation ID: 1396159). An algorithm developed to predict the effect of missense changes on protein structure and function (PolyPhen-2) suggests that this variant is likely to be tolerated. In summary, the available evidence is currently insufficient to determine the role of this variant in disease. Therefore, it has been classified as a Variant of Uncertain Significance.